The following is an entry in ClinVar:

ClinVar aggregate classification (germline): Conflicting classifications of pathogenicity. Review status: criteria provided, conflicting classifications (1 of 4 stars). 3 submissions from 3 submitters: Uncertain significance (1); Likely benign (2). Last evaluated 2024-03-13.

Conditions:
Congenital ichthyosis of skin. Identifiers: MedGen C0020758.

Allele frequency attached by ClinVar (database versions not stated): ExAC 0.00007; gnomAD exomes 0.00009 and 0.00022; gnomAD 0.00011 and 0.00012; TOPMed 0.00015.
gnomAD v4.1: 334 of 1,613,926 alleles (0.021%); highest among the groups gnomAD compares: Non-Finnish European, 0.027%; no homozygotes.

Submissions (3):

Labcorp Genetics (formerly Invitae), Labcorp
Classification: Likely benign. Last evaluated: 2024-03-13. Review status: criteria provided, single submitter. Criteria: Invitae Variant Classification Sherloc (09022015). Collection method: clinical testing. Allele origin: germline.

CeGaT Center for Human Genetics Tuebingen
Classification: Likely benign. Last evaluated: 2023-04-01. Review status: criteria provided, single submitter. Criteria: CeGaT Center For Human Genetics Tuebingen Variant Classification Criteria Version 2. Collection method: clinical testing. Allele origin: germline. Affected: yes. Observed: 1 variant allele.
Comment: ABCA12: BP4

Illumina Laboratory Services, Illumina
Classification: Uncertain significance for Congenital ichthyosis of skin. Last evaluated: 2018-01-13. Review status: criteria provided, single submitter. Criteria: ICSL Variant Classification Criteria 13 December 2019. Collection method: clinical testing. Allele origin: germline.

NM_173076.3(ABCA12):c.5143A>C (p.Arg1715=)

Gene: ABCA12 (ATP binding cassette subfamily A member 12; minus strand). Cytogenetic location: 2q35.
Variant type: single nucleotide variant.
Coding change: c.5143A>C on transcript NM_173076.3 (MANE Select); coding-DNA position 5143, A replaced by C.
Protein change: p.Arg1715=; no amino-acid change (arginine 1715 retained).
Molecular consequence: synonymous variant. On other transcripts: non-coding transcript variant (1).
Genome position (GRCh38, 1-based): chr2:214,976,023, T>G on the plus strand (A>C on the coding strand, the complement: ABCA12 is on the minus strand). VCF-style: chr2-214976023-T-G. GRCh37 (hg19) VCF-style: chr2-215840747-T-G.
Other names: c.4189A>C, p.Arg1397= (NM_015657.4).
Identifiers: ClinVar variation 334238 (VCV000334238.32), dbSNP rs749849028, ClinGen allele CA2091290.
Genomic context (GRCh38, chr2:214,976,023, plus strand): 5'-TGATGAGTATAGCCATGATCTTCTTCAGCAACAGTCCAAAGCCATCCAGCCTCTCTCCTC[T>G]TGTCAGGATTTTGTCTGATTAAGAAAAAGAGATTGGATATGGTTCTGGGAAATCTTGATA-3'
Protein context (NP_775099.2, residues 1705-1725): FTDRDDKILT[Arg1715=]GERLDGFGLL